The following is an entry in ClinVar:

NM_024753.5(TTC21B):c.1200A>T (p.Leu400Phe)

Gene: TTC21B (tetratricopeptide repeat domain 21B; minus strand). Cytogenetic location: 2q24.3.
Variant type: single nucleotide variant.
Coding change: c.1200A>T on transcript NM_024753.5 (MANE Select); coding-DNA position 1200, A replaced by T.
Protein change: p.Leu400Phe; replaces leucine 400 with phenylalanine.
Molecular consequence: missense variant.
Genome position (GRCh38, 1-based): chr2:165,929,321, T>A on the plus strand (A>T on the coding strand, the complement: TTC21B is on the minus strand). VCF-style: chr2-165929321-T-A. GRCh37 (hg19) VCF-style: chr2-166785831-T-A.
Other names: short protein forms L400F.
Identifiers: ClinVar variation 4988728 (VCV004988728.1).
Genomic context (GRCh38, chr2:165,929,321, plus strand): 5'-ATTTAACAAATTAATAACTTCTTCTTGTCGTTTATTTTTCTTCATGGCAAGAACTGCATG[T>A]AAATAGATTAATTCCTAGAAAATAAGTAGTTTTCATAAATTATTCCATTTAGTTATAAAG-3'
Protein context (NP_079029.3, residues 390-410): SIGKSAELIY[Leu400Phe]HAVLAMKKNK

ClinVar aggregate classification (germline): Uncertain significance (1 of 4 stars; one submission).

Conditions:
TTC21B-related disorder. Also called: TTC21B-related disorders; TTC21B-related condition.

gnomAD v4.1: 1 of 1,605,850 alleles (0.000062%); highest among the groups gnomAD compares: Admixed American, 0.0017%; no homozygotes.

Submission:

PreventionGenetics, part of Exact Sciences
Classification: Uncertain significance for TTC21B-related condition. Last evaluated: 2026-01-21. Review status: criteria provided, single submitter. Criteria: ACMG Guidelines, 2015. Collection method: clinical testing. Allele origin: germline.
Comment: The TTC21B c.1200A>T variant is predicted to result in the amino acid substitution p.Leu400Phe. To our knowledge, this variant has not been reported in the literature or in a large population database (gnomAD), indicating this variant is rare. At this time, the clinical significance of this variant is uncertain due to the absence of conclusive functional and genetic evidence.